The following is an entry in ClinVar:

ClinVar aggregate classification (germline): Uncertain significance. Review status: criteria provided, multiple submitters, no conflicts (2 of 4 stars). 4 submissions from 4 submitters: Uncertain significance (4). Last evaluated 2024-09-20.

Conditions:
Xeroderma pigmentosum (XP). Identifiers: Orphanet 910, MedGen C0043346, MONDO:0019600.
Xeroderma pigmentosum, group D (XPD). Also called: XERODERMA PIGMENTOSUM IV; XP, GROUP D; XP, GROUP H; XERODERMA PIGMENTOSUM, COMPLEMENTATION GROUP D; ERCC2-Related Xeroderma Pigmentosum. Identifiers: MedGen C0268138, MONDO:0010212, OMIM 278730.

Allele frequency attached by ClinVar (database versions not stated): TOPMed 0.00012; gnomAD 0.00014 and 0.00016; ESP Exome Variant Server 0.00023.
gnomAD v4.1: 298 of 1,614,006 alleles (0.018%); highest among the groups gnomAD compares: Non-Finnish European, 0.023%; no homozygotes.

Submissions (4):

Blueprint Genetics
Classification: Uncertain significance. Last evaluated: 2024-09-20. Review status: criteria provided, single submitter. Criteria: ACMG Guidelines, 2015. Collection method: clinical testing. Allele origin: germline.

Labcorp Genetics (formerly Invitae), Labcorp
Classification: Uncertain significance. Last evaluated: 2022-10-17. Review status: criteria provided, single submitter. Criteria: Invitae Variant Classification Sherloc (09022015). Collection method: clinical testing. Allele origin: germline.
Comment: This sequence change replaces arginine, which is basic and polar, with histidine, which is basic and polar, at codon 450 of the ERCC2 protein (p.Arg450His). This variant is present in population databases (rs146632315, gnomAD 0.04%). This variant has not been reported in the literature in individuals affected with ERCC2-related conditions. ClinVar contains an entry for this variant (Variation ID: 894683). Advanced modeling of protein sequence and biophysical properties (such as structural, functional, and spatial information, amino acid conservation, physicochemical variation, residue mobility, and thermodynamic stability) performed at Invitae indicates that this missense variant is not expected to disrupt ERCC2 protein function. Experimental studies have shown that this missense change does not substantially affect ERCC2 function (PMID: 27504877). In summary, the available evidence is currently insufficient to determine the role of this variant in disease. Therefore, it has been classified as a Variant of Uncertain Significance.

Sema4
Classification: Uncertain significance for Xeroderma pigmentosum. Last evaluated: 2021-05-06. Review status: criteria provided, single submitter. Criteria: Sema4 Curation Guidelines. Collection method: curation. Allele origin: germline.
Comment: The ERCC2 c.1349G>A (p.R450H) variant has been reported in heterozygosity in at least 2 individuals with hereditary breast cancer (PMID: 27504877). This variant involves a highly conserved amino acid, and computational analyses do not provide strong support for or against an impact to the protein. Functional studies have shown that this variant enhances DNA repair activity in NER-deficient cells (PMID: 27504877). This variant was observed in 46/129136 chromosomes in the Non-Finnish European population, according to the Genome Aggregation Database (PMID: 32461654). The variant has been reported in ClinVar (Variation ID: 894683). Based on the current evidence available, this variant is interpreted as a variant of uncertain significance.

Illumina Laboratory Services, Illumina
Classification: Uncertain significance for Xeroderma pigmentosum, group D. Last evaluated: 2017-04-28. Review status: criteria provided, single submitter. Criteria: ICSL Variant Classification Criteria 13 December 2019. Collection method: clinical testing. Allele origin: germline.
Comment: This variant was observed as part of a predisposition screen in an ostensibly healthy population. A literature search was performed for the gene, cDNA change, and amino acid change (where applicable). Publications were found based on this search. However, the evidence from the literature, in combination with allele frequency data from public databases where available, was not sufficient to rule this variant in or out of causing disease. Therefore, this variant is classified as a variant of unknown significance.

Literature cited by the submitters: PubMed 27504877 (cited by 3 submitters); PubMed 27085493 (cited by Illumina Laboratory Services, Illumina).

NM_000400.4(ERCC2):c.1349G>A (p.Arg450His)

Gene: ERCC2 (ERCC excision repair 2, TFIIH core complex helicase subunit; minus strand). Cytogenetic location: 19q13.32.
Variant type: single nucleotide variant.
Coding change: c.1349G>A on transcript NM_000400.4 (MANE Select); coding-DNA position 1349, G replaced by A.
Protein change: p.Arg450His; replaces arginine 450 with histidine.
Molecular consequence: missense variant.
Genome position (GRCh38, 1-based): chr19:45,357,502, C>T on the plus strand (G>A on the coding strand, the complement: ERCC2 is on the minus strand). VCF-style: chr19-45357502-C-T. GRCh37 (hg19) VCF-style: chr19-45860760-C-T.
Other names: short protein forms R450H.
Identifiers: ClinVar variation 894683 (VCV000894683.9), dbSNP rs146632315, ClinGen allele CA9513341.